The following is an entry in ClinVar:

NM_006361.6(HOXB13):c.202G>A (p.Gly68Arg)

Gene: HOXB13 (homeobox B13; minus strand). Cytogenetic location: 17q21.32.
Variant type: single nucleotide variant.
Coding change: c.202G>A on transcript NM_006361.6 (MANE Select); coding-DNA position 202, G replaced by A.
Protein change: p.Gly68Arg; replaces glycine 68 with arginine.
Molecular consequence: missense variant.
Genome position (GRCh38, 1-based): chr17:48,728,392, C>T on the plus strand (G>A on the coding strand, the complement: HOXB13 is on the minus strand). VCF-style: chr17-48728392-C-T. GRCh37 (hg19) VCF-style: chr17-46805754-C-T.
Other names: short protein forms G68R.
Identifiers: ClinVar variation 2629787 (VCV002629787.1), dbSNP rs2038238548, ClinGen allele CA400107932.

ClinVar aggregate classification (germline): Uncertain significance (1 of 4 stars; one submission).

Conditions:
HOXB13-related disorder. Also called: HOXB13-related disorders; HOXB13-related condition.

Submission:

PreventionGenetics, part of Exact Sciences
Classification: Uncertain significance for HOXB13-related condition. Last evaluated: 2022-12-16. Review status: criteria provided, single submitter. Criteria: ACMG Guidelines, 2015. Collection method: clinical testing. Allele origin: germline.
Comment: The HOXB13 c.202G>A variant is predicted to result in the amino acid substitution p.Gly68Arg. To our knowledge, this variant has not been reported in the literature or in a large population database, indicating this variant is rare. At this time, the clinical significance of this variant is uncertain due to the absence of conclusive functional and genetic evidence.